The following is an entry in ClinVar:

ClinVar aggregate classification (germline): Uncertain significance. Review status: criteria provided, single submitter (1 of 4 stars). 2 submissions from 1 submitter: Uncertain significance (1). 1 of the submissions does not count toward it. Last evaluated 2023-11-28.

Conditions:
Dilated cardiomyopathy 1O (CMD1O). Also called: CARDIOMYOPATHY, DILATED, WITH VENTRICULAR TACHYCARDIA. Identifiers: Orphanet 154, MedGen C1837839, MONDO:0012062, OMIM 608569.

Submissions (2):

Labcorp Genetics (formerly Invitae), Labcorp
Classification: Uncertain significance for Dilated cardiomyopathy 1O. Last evaluated: 2023-11-28. Review status: criteria provided, single submitter. Criteria: Invitae Variant Classification Sherloc (09022015). Collection method: clinical testing. Allele origin: germline.
Comment: A copy number gain of the genomic region encompassing the full coding sequence of the ABCC9 gene has been identified. The boundaries of this event are unknown as they extend beyond the assayed region for this gene and therefore may encompass additional genes. As the precise location of this event is unknown, it may be in tandem or it may be located elsewhere in the genome. This variant has not been reported in the literature in individuals affected with ABCC9-related conditions. In summary, the available evidence is currently insufficient to determine the role of this variant in disease. Therefore, it has been classified as a Variant of Uncertain Significance.

Labcorp Genetics (formerly Invitae), Labcorp
Classification: Uncertain significance. Last evaluated: 2021-10-27. Review status: flagged submission. Criteria: Invitae Variant Classification Sherloc (09022015). Collection method: clinical testing. Allele origin: germline. Not counted in ClinVar's aggregate classification.
Comment: A copy number gain of the genomic region encompassing the full coding sequence of the PYROXD1 gene has been identified. The boundaries of this event are unknown as they extend beyond the assayed region for this gene and therefore may encompass additional genes. As the precise location of this event is unknown, it may be in tandem or it may be located elsewhere in the genome. This variant has not been reported in the literature in individuals affected with PYROXD1-related conditions. In summary, the available evidence is currently insufficient to determine the role of this variant in disease. Therefore, it has been classified as a Variant of Uncertain Significance.
ClinVar note: Reason: This record appears to be redundant with a more recent record from the same submitter.
ClinVar note: Notes: SCV002226973 appears to be redundant with SCV002227634.

NC_000012.11:g.(?_21590665)_(22089608_?)dup

Genes: ABCC9 (ATP binding cassette subfamily C member 9; minus strand), GOLT1B (golgi transport 1B; plus strand), GYS2 (glycogen synthase 2; minus strand), KCNJ8 (potassium inwardly rectifying channel subfamily J member 8; minus strand), LDHB (lactate dehydrogenase B; minus strand) and 3 more. Cytogenetic location: 12p12.1.
Variant type: Duplication.
Identifiers: ClinVar variation 1445073 (VCV001445073.2).